The following is an entry in ClinVar:

NM_002098.6(GUCA1B):c.260G>C (p.Arg87Thr)

Gene: GUCA1B (guanylate cyclase activator 1B; minus strand). Cytogenetic location: 6p21.1.
Variant type: single nucleotide variant.
Coding change: c.260G>C on transcript NM_002098.6 (MANE Select); coding-DNA position 260, G replaced by C.
Protein change: p.Arg87Thr; replaces arginine 87 with threonine.
Molecular consequence: missense variant.
Genome position (GRCh38, 1-based): chr6:42,188,679, C>G on the plus strand (G>C on the coding strand, the complement: GUCA1B is on the minus strand). VCF-style: chr6-42188679-C-G. GRCh37 (hg19) VCF-style: chr6-42156417-C-G.
Other names: short protein forms R87T.
Identifiers: ClinVar variation 911079 (VCV000911079.7), dbSNP rs911189359, ClinGen allele CA364113087.
Genomic context (GRCh38, chr6:42,188,679, plus strand): 5'-CCATTGCCATCCTTATCATAGATCTTGAATGTCCACTTCAGCTTGTGCTCCAGGGTGCCC[C>G]TCAGCACGAGATTCAGAGCTGCCACGTACTCCAGGAAGTCGATGGTGTTGTCCTGCATTA-3'
Protein context (NP_002089.4, residues 77-97): EYVAALNLVL[Arg87Thr]GTLEHKLKWT

ClinVar aggregate classification (germline): Uncertain significance. Review status: criteria provided, multiple submitters, no conflicts (2 of 4 stars). 2 submissions from 2 submitters: Uncertain significance (2). Last evaluated 2023-09-08.

Conditions:
Retinitis pigmentosa (RP). Identifiers: Orphanet 791, MedGen C0035334, MeSH D012174, MONDO:0019200, OMIM 268000. Inheritance: Autosomal dominant, autosomal recessive and X linked inheritance.

Submissions (2):

Labcorp Genetics (formerly Invitae), Labcorp
Classification: Uncertain significance. Last evaluated: 2023-09-08. Review status: criteria provided, single submitter. Criteria: Invitae Variant Classification Sherloc (09022015). Collection method: clinical testing. Allele origin: germline.
Comment: In summary, the available evidence is currently insufficient to determine the role of this variant in disease. Therefore, it has been classified as a Variant of Uncertain Significance. An algorithm developed to predict the effect of missense changes on protein structure and function (PolyPhen-2) suggests that this variant is likely to be disruptive. ClinVar contains an entry for this variant (Variation ID: 911079). This variant has not been reported in the literature in individuals affected with GUCA1B-related conditions. This variant is not present in population databases (gnomAD no frequency). This sequence change replaces arginine, which is basic and polar, with threonine, which is neutral and polar, at codon 87 of the GUCA1B protein (p.Arg87Thr).

Illumina Laboratory Services, Illumina
Classification: Uncertain significance for Retinitis pigmentosa. Last evaluated: 2018-01-12. Review status: criteria provided, single submitter. Criteria: ICSL Variant Classification Criteria 13 December 2019. Collection method: clinical testing. Allele origin: germline.